The following is an entry in ClinVar:

ClinVar aggregate classification (germline): Uncertain significance. Review status: criteria provided, multiple submitters, no conflicts (2 of 4 stars). 2 submissions from 2 submitters: Uncertain significance (2). Last evaluated 2026-01-25.

Conditions:
Cardiovascular phenotype. Identifiers: MedGen CN230736.
Long QT syndrome (LQTS). Identifiers: MedGen C0023976, MeSH D008133, MONDO:0002442. Disease mechanism: loss of function. Inheritance: Various modes of inheritance.

Submissions (2):

Ambry Genetics
Classification: Uncertain significance for Cardiovascular phenotype. Last evaluated: 2026-01-25. Review status: criteria provided, single submitter. Criteria: Ambry Variant Classification Scheme 2023. Collection method: clinical testing. Allele origin: germline.
Comment: The p.D337V variant (also known as c.1010A>T), located in coding exon 7 of the CACNA1C gene, results from an A to T substitution at nucleotide position 1010. The aspartic acid at codon 337 is replaced by valine, an amino acid with highly dissimilar properties. This amino acid position is conserved. In addition, the in silico prediction for this alteration is inconclusive. Based on the available evidence, the clinical significance of this variant remains unclear.

Labcorp Genetics (formerly Invitae), Labcorp
Classification: Uncertain significance for Long QT syndrome. Last evaluated: 2024-01-01. Review status: criteria provided, single submitter. Criteria: Invitae Variant Classification Sherloc (09022015). Collection method: clinical testing. Allele origin: germline.
Comment: This sequence change replaces aspartic acid, which is acidic and polar, with valine, which is neutral and non-polar, at codon 337 of the CACNA1C protein (p.Asp337Val). This variant is not present in population databases (gnomAD no frequency). This variant has not been reported in the literature in individuals affected with CACNA1C-related conditions. Advanced modeling of protein sequence and biophysical properties (such as structural, functional, and spatial information, amino acid conservation, physicochemical variation, residue mobility, and thermodynamic stability) performed at Invitae indicates that this missense variant is not expected to disrupt CACNA1C protein function with a negative predictive value of 95%. In summary, the available evidence is currently insufficient to determine the role of this variant in disease. Therefore, it has been classified as a Variant of Uncertain Significance.

NM_000719.7(CACNA1C):c.1010A>T (p.Asp337Val)

Gene: CACNA1C (calcium voltage-gated channel subunit alpha1 C; plus strand). Cytogenetic location: 12p13.33.
Variant type: single nucleotide variant.
Coding change: c.1010A>T on transcript NM_000719.7 (MANE Select); coding-DNA position 1010, A replaced by T.
Protein change: p.Asp337Val; replaces aspartic acid 337 with valine.
Molecular consequence: missense variant.
Genome position (GRCh38, 1-based): chr12:2,493,283, A>T. VCF-style: chr12-2493283-A-T. GRCh37 (hg19) VCF-style: chr12-2602449-A-T.
Other names: c.1010A>T, p.Asp337Val (NM_001129827.2, NM_001129829.2, NM_001129830.3 and 18 more transcripts); c.1001A>T, p.Asp334Val (NM_001129844.2); short protein forms D337V, D334V.
Identifiers: ClinVar variation 2823403 (VCV002823403.4), dbSNP rs2504151418, ClinGen allele CA383369820.